The following is an entry in ClinVar:

ClinVar aggregate classification (germline): Likely benign. Review status: criteria provided, multiple submitters, no conflicts (2 of 4 stars). 2 submissions from 2 submitters: Likely benign (2). Last evaluated 2025-12-29.

Conditions:
Arrhythmogenic right ventricular dysplasia 5. Also called: Arrhythmogenic Right Ventricular Dysplasia/Cardiomyopathy 5; ARRHYTHMOGENIC RIGHT VENTRICULAR DYSPLASIA, FAMILIAL, 5. Identifiers: MedGen C1858379, MONDO:0011459, OMIM 604400.

Allele frequency attached by ClinVar (database versions not stated): gnomAD exomes 0.00001; ExAC 0.00002; TOPMed 0.00002; gnomAD 0.00003.
gnomAD v4.1: 22 of 1,611,318 alleles (0.0014%); highest among the groups gnomAD compares: East Asian, 0.0022%; no homozygotes.

Submissions (2):

Labcorp Genetics (formerly Invitae), Labcorp
Classification: Likely benign for Arrhythmogenic right ventricular dysplasia 5. Last evaluated: 2025-12-29. Review status: criteria provided, single submitter. Criteria: Invitae Variant Classification Sherloc (09022015). Collection method: clinical testing. Allele origin: germline.

GeneDx
Classification: Likely benign. Last evaluated: 2017-07-28. Review status: criteria provided, single submitter. Criteria: GeneDx Variant Classification (06012015). Collection method: clinical testing. Allele origin: germline. Affected: yes.
Comment: This variant is considered likely benign or benign based on one or more of the following criteria: it is a conservative change, it occurs at a poorly conserved position in the protein, it is predicted to be benign by multiple in silico algorithms, and/or has population frequency not consistent with disease.

NM_024334.3(TMEM43):c.512+12G>A

Gene: TMEM43 (transmembrane protein 43; plus strand). Cytogenetic location: 3p25.1.
Variant type: single nucleotide variant.
Coding change: c.512+12G>A on transcript NM_024334.3 (MANE Select); 12 bases into the intron after coding-DNA position 512, G replaced by A.
Molecular consequence: intron variant.
Genome position (GRCh38, 1-based): chr3:14,132,947, G>A. VCF-style: chr3-14132947-G-A. GRCh37 (hg19) VCF-style: chr3-14174447-G-A.
Identifiers: ClinVar variation 511128 (VCV000511128.5), dbSNP rs766205020, ClinGen allele CA054001.